The following is an entry in ClinVar:

NM_024678.6(NARS2):c.1008C>G (p.Asn336Lys)

Gene: NARS2 (asparaginyl-tRNA synthetase 2, mitochondrial; minus strand). Cytogenetic location: 11q14.1.
Variant type: single nucleotide variant.
Coding change: c.1008C>G on transcript NM_024678.6 (MANE Select); coding-DNA position 1008, C replaced by G.
Protein change: p.Asn336Lys; replaces asparagine 336 with lysine.
Molecular consequence: missense variant.
Genome position (GRCh38, 1-based): chr11:78,469,265, G>C on the plus strand (C>G on the coding strand, the complement: NARS2 is on the minus strand). VCF-style: chr11-78469265-G-C. GRCh37 (hg19) VCF-style: chr11-78180311-G-C.
Other names: c.327C>G, p.Asn109Lys (NM_001243251.2); short protein forms N336K, N109K.
Identifiers: ClinVar variation 745037 (VCV000745037.12), dbSNP rs34950075, ClinGen allele CA6205623.

ClinVar aggregate classification (germline): Conflicting classifications of pathogenicity. Review status: criteria provided, conflicting classifications (1 of 4 stars). 4 submissions from 4 submitters: Uncertain significance (2); Likely benign (1). 1 of the submissions does not count toward it. Last evaluated 2025-12-17.

Conditions:
NARS2-related disorder. Also called: NARS2-related condition.

Allele frequency attached by ClinVar (database versions not stated): gnomAD exomes 0.00006 and 0.00013; ExAC 0.00017; ESP Exome Variant Server 0.00069; gnomAD 0.00072 and 0.00079; TOPMed 0.00080; 1000 Genomes Project 0.00100; 1000 Genomes Project 30x 0.00109.
gnomAD v4.1: 204 of 1,612,392 alleles (0.013%); highest among the groups gnomAD compares: African/African-American, 0.25%; no homozygotes.

Submissions (4):

GeneDx
Classification: Uncertain significance. Last evaluated: 2025-12-17. Review status: criteria provided, single submitter. Criteria: GeneDx Variant Classification Process June 2021. Collection method: clinical testing. Allele origin: germline.
Comment: In silico analysis suggests that this missense variant does not alter protein structure/function; Has not been previously published as pathogenic or benign to our knowledge

Labcorp Genetics (formerly Invitae), Labcorp
Classification: Likely benign. Last evaluated: 2025-02-27. Review status: criteria provided, single submitter. Criteria: Invitae Variant Classification Sherloc (09022015). Collection method: clinical testing. Allele origin: germline.

Blueprint Genetics
Classification: Uncertain significance. Last evaluated: 2024-08-06. Review status: criteria provided, single submitter. Criteria: ACMG Guidelines, 2015. Collection method: clinical testing. Allele origin: germline.

PreventionGenetics, part of Exact Sciences
Classification: Likely benign for NARS2-related condition. Last evaluated: 2023-08-28. Review status: no assertion criteria provided. Collection method: clinical testing. Allele origin: germline. Not counted in ClinVar's aggregate classification.
Comment: This variant is classified as likely benign based on ACMG/AMP sequence variant interpretation guidelines (Richards et al. 2015 PMID: 25741868, with internal and published modifications).